The following is an entry in ClinVar:

NM_022124.6(CDH23):c.3580-13C>T

Genes: C10orf105 (chromosome 10 open reading frame 105; minus strand), CDH23 (cadherin related 23; plus strand). Cytogenetic location: 10q22.1.
Variant type: single nucleotide variant.
Coding change: c.3580-13C>T on transcript NM_022124.6 (MANE Select); 13 bases into the intron before coding-DNA position 3580, C replaced by T.
Molecular consequence: intron variant.
Genome position (GRCh38, 1-based): chr10:71,730,456, C>T. VCF-style: chr10-71730456-C-T. GRCh37 (hg19) VCF-style: chr10-73490213-C-T.
Other names: c.3580-13C>T (NM_001171930.2); c.-6+7272G>A (NM_001168390.2).
Identifiers: ClinVar variation 178303 (VCV000178303.21), dbSNP rs150894638, ClinGen allele CA182072.

ClinVar aggregate classification (germline): Conflicting classifications of pathogenicity. Review status: criteria provided, conflicting classifications (1 of 4 stars). 7 submissions from 6 submitters: Uncertain significance (2); Benign (2); Likely benign (3). Last evaluated 2026-01-22.

Conditions:
CDH23-related disorder. Also called: CDH23-related condition; CDH23-related disorders.
Usher syndrome type 1D (USH1D). Also called: USHER SYNDROME, TYPE ID. Identifiers: Orphanet 231169, Orphanet 886, MedGen C1832845, MONDO:0010984, OMIM 601067.
Autosomal recessive nonsyndromic hearing loss 12. Also called: DEAFNESS, AUTOSOMAL RECESSIVE 12. Identifiers: Orphanet 90636, MedGen C1832394, MONDO:0011067, OMIM 601386.

Allele frequency attached by ClinVar (database versions not stated): TOPMed 0.00022; ESP Exome Variant Server 0.00016; ExAC 0.00059; gnomAD 0.00016 and 0.00026; gnomAD exomes 0.00055; 1000 Genomes Project 0.00100; 1000 Genomes Project 30x 0.00109.
gnomAD v4.1: 660 of 1,613,004 alleles (0.041%); highest among the groups gnomAD compares: South Asian, 0.29%; 2 homozygotes.

Submissions (7):

Labcorp Genetics (formerly Invitae), Labcorp
Classification: Benign. Last evaluated: 2026-01-22. Review status: criteria provided, single submitter. Criteria: Invitae Variant Classification Sherloc (09022015). Collection method: clinical testing. Allele origin: germline.

PreventionGenetics, part of Exact Sciences
Classification: Likely benign for CDH23-related condition. Last evaluated: 2025-06-09. Review status: criteria provided, single submitter. Criteria: ACMG Guidelines, 2015. Collection method: clinical testing. Allele origin: germline.
Comment: This variant is classified as likely benign based on ACMG/AMP sequence variant interpretation guidelines (Richards et al. 2015 PMID: 25741868, with internal and published modifications).

Blueprint Genetics
Classification: Likely benign. Last evaluated: 2024-11-26. Review status: criteria provided, single submitter. Criteria: ACMG Guidelines, 2015. Collection method: clinical testing. Allele origin: germline.

GeneDx
Classification: Likely benign. Last evaluated: 2021-03-08. Review status: criteria provided, single submitter. Criteria: GeneDx Variant Classification Process June 2021. Collection method: clinical testing. Allele origin: germline. Affected: yes.

Illumina Laboratory Services, Illumina
Classification: Uncertain significance for Autosomal recessive nonsyndromic hearing loss 12. Last evaluated: 2018-01-12. Review status: criteria provided, single submitter. Criteria: ICSL Variant Classification Criteria 13 December 2019. Collection method: clinical testing. Allele origin: germline.

Illumina Laboratory Services, Illumina
Classification: Uncertain significance for Usher syndrome type 1D. Last evaluated: 2018-01-12. Review status: criteria provided, single submitter. Criteria: ICSL Variant Classification Criteria 13 December 2019. Collection method: clinical testing. Allele origin: germline.

Laboratory for Molecular Medicine, Mass General Brigham Personalized Medicine
Classification: Benign. Last evaluated: 2018-01-09. Review status: criteria provided, single submitter. Criteria: LMM Criteria. Collection method: clinical testing. Allele origin: germline. Observed: 4 variant alleles.
Comment: c.3580-13C>T in Intron 30 of CDH23: This variant is not expected to have clinica l significance because it does not diverge from the splice consensus sequence an d computational tools do not predict an impact to splicing. This variant has bee n identified in 0.33% (102/30744) of South Asian chromosomes including 1 homozyg ote by the Genome Aggregation Database (gnomAD ; dbSNP rs150894638).